The following is an entry in ClinVar:

NM_017617.5(NOTCH1):c.2481G>C (p.Glu827Asp)

Gene: NOTCH1 (notch receptor 1; minus strand). Cytogenetic location: 9q34.3.
Variant type: single nucleotide variant.
Coding change: c.2481G>C on transcript NM_017617.5 (MANE Select); coding-DNA position 2481, G replaced by C.
Protein change: p.Glu827Asp; replaces glutamic acid 827 with aspartic acid.
Molecular consequence: missense variant.
Genome position (GRCh38, 1-based): chr9:136,511,258, C>G on the plus strand (G>C on the coding strand, the complement: NOTCH1 is on the minus strand). VCF-style: chr9-136511258-C-G. GRCh37 (hg19) VCF-style: chr9-139405710-C-G.
Other names: short protein forms E827D.
Identifiers: ClinVar variation 1791932 (VCV001791932.2), dbSNP rs2133354982, ClinGen allele CA375555559.
Genomic context (GRCh38, chr9:136,511,258, plus strand): 5'-GGATTGCCTGCACTCCCCGCCGTTTCTGCAGGGGCTGGGGGCACACGGGGCCAGCACCAC[C>G]TCACACGTGGCACCTGCGGGAAGGAGACACACGTGACCCCGGGAGCCTCACCCAGAGGGA-3'
Protein context (NP_060087.3, residues 817-837): CLLPYTGATC[Glu827Asp]VVLAPCAPSP

ClinVar aggregate classification (germline): Uncertain significance (1 of 4 stars; one submission).

Conditions:
Familial thoracic aortic aneurysm and aortic dissection (TAAD). Also called: Thoracic aortic aneurysms and dissections. Identifiers: Orphanet 91387, MedGen C4707243, MONDO:0019625.

Submission:

Ambry Genetics
Classification: Uncertain significance for Familial thoracic aortic aneurysm and aortic dissection. Last evaluated: 2021-06-14. Review status: criteria provided, single submitter. Criteria: Ambry Variant Classification Scheme 2023. Collection method: clinical testing. Allele origin: germline.
Comment: The p.E827D variant (also known as c.2481G>C), located in coding exon 16 of the NOTCH1 gene, results from a G to C substitution at nucleotide position 2481. The glutamic acid at codon 827 is replaced by aspartic acid, an amino acid with highly similar properties. This amino acid position is conserved. In addition, the in silico prediction for this alteration is inconclusive. Since supporting evidence is limited at this time, the clinical significance of this alteration remains unclear.